The following is an entry in ClinVar:

ClinVar aggregate classification (germline): Uncertain significance. Review status: criteria provided, multiple submitters, no conflicts (2 of 4 stars). 5 submissions from 5 submitters: Uncertain significance (5). Last evaluated 2025-12-16.

Conditions:
Hereditary cancer-predisposing syndrome. Also called: Hereditary neoplastic syndrome; Tumor predisposition; Neoplastic Syndromes, Hereditary; Hereditary Cancer Syndrome. Identifiers: Orphanet 140162, MedGen C0027672, MeSH D009386, MONDO:0015356.
Familial adenomatous polyposis 1 (FAP1). Also called: FAMILIAL ADENOMATOUS POLYPOSIS 1, ATTENUATED; POLYPOSIS, ADENOMATOUS INTESTINAL. Identifiers: MedGen C2713442, MONDO:0021056, OMIM 175100. Disease mechanism: loss of function.

Allele frequency attached by ClinVar (database versions not stated): gnomAD exomes below 0.00001.
gnomAD v4.1: 1 of 1,614,190 alleles (0.000062%); highest among the groups gnomAD compares: Non-Finnish European, 0.000085%; no homozygotes.

Submissions (5):

Labcorp Genetics (formerly Invitae), Labcorp
Classification: Uncertain significance for Familial adenomatous polyposis 1. Last evaluated: 2025-12-16. Review status: criteria provided, single submitter. Criteria: Invitae Variant Classification Sherloc (09022015). Collection method: clinical testing. Allele origin: germline.
Comment: This sequence change replaces aspartic acid, which is acidic and polar, with glycine, which is neutral and non-polar, at codon 1569 of the APC protein (p.Asp1569Gly). This variant is not present in population databases (gnomAD no frequency). This missense change has been observed in individual(s) with clinical features of APC-related conditions (PMID: 10612827). ClinVar contains an entry for this variant (Variation ID: 419638). Invitae Evidence Modeling of protein sequence and biophysical properties (such as structural, functional, and spatial information, amino acid conservation, physicochemical variation, residue mobility, and thermodynamic stability) indicates that this missense variant is not expected to disrupt APC protein function with a negative predictive value of 95%. In summary, the available evidence is currently insufficient to determine the role of this variant in disease. Therefore, it has been classified as a Variant of Uncertain Significance.

Color Diagnostics, LLC DBA Color Health
Classification: Uncertain significance for Hereditary cancer-predisposing syndrome. Last evaluated: 2025-06-20. Review status: criteria provided, single submitter. Criteria: ACMG Guidelines, 2015. Collection method: clinical testing. Allele origin: germline.
Comment: This missense variant replaces aspartic acid with glycine at codon 1569 of the APC protein. Computational prediction is inconclusive regarding the impact of this variant on protein structure and function. To our knowledge, functional studies have not been reported for this variant. This variant has not been reported in individuals affected with APC-related disorders in the literature. This variant has not been identified in the general population by the Genome Aggregation Database (gnomAD). The available evidence is insufficient to determine the role of this variant in disease conclusively. Therefore, this variant is classified as a Variant of Uncertain Significance.

Ambry Genetics
Classification: Uncertain significance for Hereditary cancer-predisposing syndrome. Last evaluated: 2024-04-01. Review status: criteria provided, single submitter. Criteria: Ambry Variant Classification Scheme 2023. Collection method: clinical testing. Allele origin: germline.
Comment: The p.D1569G variant (also known as c.4706A>G), located in coding exon 15 of the APC gene, results from an A to G substitution at nucleotide position 4706. The aspartic acid at codon 1569 is replaced by glycine, an amino acid with similar properties. This amino acid position is highly conserved in available vertebrate species. In addition, in silico predictors for this gene do not accurately predict pathogenicity. Since supporting evidence is limited at this time, the clinical significance of this alteration remains unclear.

Baylor Genetics
Classification: Uncertain significance for Familial adenomatous polyposis 1. Last evaluated: 2023-09-15. Review status: criteria provided, single submitter. Criteria: ACMG Guidelines, 2015. Collection method: clinical testing. Allele origin: unknown.

GeneDx
Classification: Uncertain significance. Last evaluated: 2022-11-08. Review status: criteria provided, single submitter. Criteria: GeneDx Variant Classification Process June 2021. Collection method: clinical testing. Allele origin: germline. Affected: yes.
Comment: Not observed at significant frequency in large population cohorts (gnomAD); In silico analysis supports that this missense variant has a deleterious effect on protein structure/function; Has not been previously published as pathogenic or benign to our knowledge; This variant is associated with the following publications: (PMID: 18199528)

Literature cited by the submitters: PubMed 10612827 (cited by Labcorp Genetics (formerly Invitae), Labcorp).

NM_000038.6(APC):c.4706A>G (p.Asp1569Gly)

Gene: APC (APC regulator of Wnt signaling pathway; plus strand). Cytogenetic location: 5q22.2.
Variant type: single nucleotide variant.
Coding change: c.4706A>G on transcript NM_000038.6 (MANE Select); coding-DNA position 4706, A replaced by G.
Protein change: p.Asp1569Gly; replaces aspartic acid 1569 with glycine.
Molecular consequence: missense variant.
Genome position (GRCh38, 1-based): chr5:112,840,300, A>G. VCF-style: chr5-112840300-A-G. GRCh37 (hg19) VCF-style: chr5-112175997-A-G.
Other names: c.4706A>G, p.Asp1569Gly (NM_001127510.3, NM_001354895.2); c.4652A>G, p.Asp1551Gly (NM_001127511.3); c.4760A>G, p.Asp1587Gly (NM_001354896.2); c.4736A>G, p.Asp1579Gly (NM_001354897.2); c.4631A>G, p.Asp1544Gly (NM_001354898.2); c.4622A>G, p.Asp1541Gly (NM_001354899.2); c.4583A>G, p.Asp1528Gly (NM_001354900.2); c.4529A>G, p.Asp1510Gly (NM_001354901.2); and 5 more; short protein forms D1551G, D1569G, D1478G, D1544G, D1286G, D1409G, D1510G, D1579G.
Identifiers: ClinVar variation 419638 (VCV000419638.16), dbSNP rs1064794008, ClinGen allele CA16031651.